The following is an entry in ClinVar:

ClinVar aggregate classification (germline): Likely benign. Review status: criteria provided, multiple submitters, no conflicts (2 of 4 stars). 2 submissions from 2 submitters: Likely benign (2). Last evaluated 2026-02-01.

Conditions:
Developmental and epileptic encephalopathy, 54. Also called: HNRNPU-Related Neurodevelopmental Disorder; Epileptic encephalopathy, early infantile, 54. Identifiers: MedGen C4479319, MONDO:0033363, OMIM 617391.

Allele frequency attached by ClinVar (database versions not stated): gnomAD exomes below 0.00001; gnomAD 0.00001; TOPMed 0.00001.
gnomAD v4.1: 7 of 1,613,196 alleles (0.00043%); highest among the groups gnomAD compares: South Asian, 0.0011%; no homozygotes.

Submissions (2):

CeGaT Center for Human Genetics Tuebingen
Classification: Likely benign. Last evaluated: 2026-02-01. Review status: criteria provided, single submitter. Criteria: CeGaT Center For Human Genetics Tuebingen Variant Classification Criteria Version 2. Collection method: clinical testing. Allele origin: germline. Affected: yes. Observed: 1 variant allele.
Comment: HNRNPU: BP4, BP7

Labcorp Genetics (formerly Invitae), Labcorp
Classification: Likely benign for Developmental and epileptic encephalopathy, 54. Last evaluated: 2025-06-15. Review status: criteria provided, single submitter. Criteria: Invitae Variant Classification Sherloc (09022015). Collection method: clinical testing. Allele origin: germline.

NM_031844.3(HNRNPU):c.36G>A (p.Lys12=)

Gene: HNRNPU (heterogeneous nuclear ribonucleoprotein U; minus strand). Cytogenetic location: 1q44.
Variant type: single nucleotide variant.
Coding change: c.36G>A on transcript NM_031844.3 (MANE Select); coding-DNA position 36, G replaced by A.
Protein change: p.Lys12=; no amino-acid change (lysine 12 retained).
Molecular consequence: synonymous variant.
Genome position (GRCh38, 1-based): chr1:244,864,272, C>T on the plus strand (G>A on the coding strand, the complement: HNRNPU is on the minus strand). VCF-style: chr1-244864272-C-T. GRCh37 (hg19) VCF-style: chr1-245027574-C-T.
Other names: c.36G>A, p.Lys12= (NM_004501.3).
Identifiers: ClinVar variation 2734710 (VCV002734710.7), dbSNP rs1048126591, ClinGen allele CA40505379.